The following is an entry in ClinVar:

NM_002547.3(OPHN1):c.1747G>A (p.Ala583Thr)

Gene: OPHN1 (oligophrenin 1; minus strand). Cytogenetic location: Xq12.
Variant type: single nucleotide variant.
Coding change: c.1747G>A on transcript NM_002547.3 (MANE Select); coding-DNA position 1747, G replaced by A.
Protein change: p.Ala583Thr; replaces alanine 583 with threonine.
Molecular consequence: missense variant.
Genome position (GRCh38, 1-based): chrX:68,073,239, C>T on the plus strand (G>A on the coding strand, the complement: OPHN1 is on the minus strand). VCF-style: chrX-68073239-C-T. GRCh37 (hg19) VCF-style: chrX-67293081-C-T.
Other names: short protein forms A583T.
Identifiers: ClinVar variation 391828 (VCV000391828.4), dbSNP rs1057524252, ClinGen allele CA16608904.

ClinVar aggregate classification (germline): Uncertain significance (1 of 4 stars; one submission).

Allele frequency attached by ClinVar (database versions not stated): gnomAD exomes below 0.00001.
gnomAD v4.1: 2 of 1,211,506 alleles (0.00017%); highest among the groups gnomAD compares: Non-Finnish European, 0.00022%; no homozygotes.

Submission:

GeneDx
Classification: Uncertain significance. Last evaluated: 2025-06-25. Review status: criteria provided, single submitter. Criteria: GeneDx Variant Classification Process June 2021. Collection method: clinical testing. Allele origin: germline. Affected: yes.
Comment: Not observed at significant frequency in large population cohorts (gnomAD); In silico analysis supports that this missense variant does not alter protein structure/function; Has not been previously published as pathogenic or benign to our knowledge